The following is an entry in ClinVar:

NM_003386.3(ZAN):c.5769dup (p.Arg1924fs)

Gene: ZAN (zonadhesin; plus strand). Cytogenetic location: 7q22.1.
Variant type: Duplication.
Coding change: c.5769dup on transcript NM_003386.3 (MANE Select); coding-DNA position 5769, one base duplicated (T; older notation c.5769dupT).
Protein change: p.Arg1924fs; shifts the reading frame from arginine 1924.
Molecular consequence: frameshift variant. On other transcripts: non-coding transcript variant (3).
Genome position (GRCh38, 1-based): chr7:100,773,855, T duplicated. VCF-style (leftmost placement, unchanged base first): chr7-100773854-G-GT. GRCh37 (hg19) VCF-style: chr7-100371474-G-GT.
Other names: c.5769dup, p.Arg1924fs (NM_173059.3); short protein forms R1924fs.
Identifiers: ClinVar variation 403617 (VCV000403617.4), dbSNP rs1060499917, ClinGen allele CA16609736.

ClinVar aggregate classification (germline): Benign (1 of 4 stars; one submission).

Submission:

Laboratory for Molecular Medicine, Mass General Brigham Personalized Medicine
Classification: Benign. Last evaluated: 2016-03-28. Review status: criteria provided, single submitter. Criteria: LMM Criteria. Collection method: clinical testing. Allele origin: germline.
Comment: Variant identified in a genome or exome case(s) and assessed due to predicted null impact of the variant or pathogenic assertions in the literature or databases. Disclaimer: This variant has not undergone full assessment. The following are preliminary notes: Frequency in ESP (all): 3840/11808=32.52%